The following is an entry in ClinVar:

ClinVar aggregate classification (germline): Uncertain significance (1 of 4 stars; one submission).

gnomAD v4.1: 6 of 1,612,246 alleles (0.00037%); highest among the groups gnomAD compares: African/African-American, 0.0067%; no homozygotes.

Submission:

Dasa
Classification: Uncertain significance. Last evaluated: 2025-06-06. Review status: criteria provided, single submitter. Criteria: DASA Assertion Criteria. Collection method: clinical testing. Allele origin: germline.
Comment: NM_205861.3(DHDDS):c.980G>C (p.Arg327Pro) is a missense variant that results in the substitution of arginine with proline. This variant is rare in population databases. Computational prediction algorithms are consistent with a benign effect. The currently available literature and clinical evidence are not sufficient to establish a definitive association between this variant and the reported condition. Therefore, this variant is classified as a variant of uncertain significance.

NM_205861.3(DHDDS):c.980G>C (p.Arg327Pro)

Gene: DHDDS (dehydrodolichyl diphosphate synthase subunit; plus strand). Cytogenetic location: 1p36.11.
Variant type: single nucleotide variant.
Coding change: c.980G>C on transcript NM_205861.3 (MANE Select); coding-DNA position 980, G replaced by C.
Protein change: p.Arg327Pro; replaces arginine 327 with proline.
Molecular consequence: missense variant.
Genome position (GRCh38, 1-based): chr1:26,469,109, G>C. VCF-style: chr1-26469109-G-C. GRCh37 (hg19) VCF-style: chr1-26795600-G-C.
Other names: c.878G>C, p.Arg293Pro (NM_001243564.2); c.863G>C, p.Arg288Pro (NM_001243565.2); c.701G>C, p.Arg234Pro (NM_001319959.2); c.983G>C, p.Arg328Pro (NM_024887.4); short protein forms R234P, R288P, R293P, R327P, R328P.
Identifiers: ClinVar variation 4881811 (VCV004881811.2).
Genomic context (GRCh38, chr1:26,469,109, plus strand): 5'-AAGAGCGAGTCCAAGGCTTCCTGCAGGCCTTGGAACTCAAGCGAGCTGACTGGCTGGCCC[G>C]TCTGGGCACTGCATCAGCCTGAATGAGGCTGGCCACCTGCCACTTTGCCCTGCCCTCTGC-3'
Protein context (NP_995583.1, residues 317-333): LELKRADWLA[Arg327Pro]LGTASA